The following is an entry in ClinVar:

ClinVar aggregate classification (germline): Pathogenic (1 of 4 stars; one submission).

Conditions:
Hypophosphatasia. Also called: Phosphoethanol-aminuria. Identifiers: Orphanet 436, MedGen C0020630, MeSH D007014, MONDO:0018570.

Submission:

Myriad Genetics, Inc.
Classification: Pathogenic for Hypophosphatasia. Last evaluated: 2023-09-27. Review status: criteria provided, single submitter. Criteria: Myriad Autosomal Dominant, Autosomal Recessive and X-Linked Classification Criteria (2023). Collection method: clinical testing. Allele origin: unknown.
Comment: NM_000478.4(ALPL):c.948dupC(I317Hfs*21) is expected to be pathogenic in the context of hypophosphatasia. This variant is predicted to lead to an abnormal or absent protein product due to the creation of a premature termination codon in ALPL, a gene where loss-of-function variants are known to be pathogenic. Please note: this variant was assessed in the context of healthy population screening.

NM_000478.6(ALPL):c.948dup (p.Ile317fs)

Gene: ALPL (alkaline phosphatase, biomineralization associated; plus strand). Cytogenetic location: 1p36.12.
Variant type: Duplication.
Coding change: c.948dup on transcript NM_000478.6 (MANE Select); coding-DNA position 948, one base duplicated (C; older notation c.948dupC).
Protein change: p.Ile317fs; shifts the reading frame from isoleucine 317.
Molecular consequence: frameshift variant.
Genome position (GRCh38, 1-based): chr1:21,573,750, C duplicated; the last of 2 consecutive C bases (chr1:21,573,749-21,573,750); duplicating either gives the same sequence. VCF-style (leftmost placement, unchanged base first): chr1-21573748-G-GC. GRCh37 (hg19) VCF-style: chr1-21900241-G-GC.
Other names: c.783dup, p.Ile262fs (NM_001127501.4); c.717dup, p.Ile240fs (NM_001177520.3); c.948dup, p.Ile317fs (NM_001369803.2, NM_001369804.2, NM_001369805.2); short protein forms I240fs, I262fs, I317fs.
Identifiers: ClinVar variation 5012148 (VCV005012148.1).